The following is an entry in ClinVar:

NM_001329943.3(KIAA0586):c.2800del (p.Thr934fs)

Gene: KIAA0586 (KIAA0586; plus strand). Cytogenetic location: 14q23.1.
Variant type: Deletion.
Coding change: c.2800del on transcript NM_001329943.3 (MANE Select); coding-DNA position 2800, one base deleted (A; older notation c.2800delA).
Protein change: p.Thr934fs; shifts the reading frame from threonine 934.
Molecular consequence: frameshift variant.
Genome position (GRCh38, 1-based): chr14:58,474,772, A deleted; the last of 3 consecutive A bases (chr14:58,474,770-58,474,772); deleting any one gives the same sequence. VCF-style (leftmost placement, unchanged base first): chr14-58474769-GA-G. GRCh37 (hg19) VCF-style: chr14-58941487-GA-G.
Other names: c.2959del, p.Thr987fs (NM_001244189.2); c.2755del, p.Thr919fs (NM_001244190.2); c.2545del, p.Thr849fs (NM_001244191.2, NM_001329945.2, NM_001364700.1 and 1 more transcripts); c.2668del, p.Thr890fs (NM_001244192.2); c.2380del, p.Thr794fs (NM_001244193.2); c.2800del, p.Thr934fs (NM_001329944.2, NM_001329946.2, NM_001329947.2); c.2572del, p.Thr858fs (NM_014749.5); short protein forms T794fs, T934fs, T987fs, T858fs, T890fs, T919fs, T849fs.
Identifiers: ClinVar variation 2016325 (VCV002016325.4), dbSNP rs2543399660, ClinGen allele CA2580088265.
Genomic context (GRCh38, chr14:58,474,769, plus strand): 5'-CCAGTTGCTTCTACTTTTCAGCCCACTGCTGATATTCTGGATAAAGTAATTGAGAGAAAA[GA>G]AACACTGGAAAATAGCTTAATTCAATGGTAAGTTTATAATGTTTTTGGTATGAATAGAAC-3'

ClinVar aggregate classification (germline): Pathogenic (1 of 4 stars; one submission).

Conditions:
Joubert syndrome 23 (JBTS23). Identifiers: Orphanet 475, MedGen C4084822, MONDO:0014664, OMIM 616490.
Short-rib thoracic dysplasia 14 with polydactyly (SRTD14). Identifiers: Orphanet 397715, MedGen C4225286, MONDO:0014688, OMIM 616546.

Submission:

Labcorp Genetics (formerly Invitae), Labcorp
Classification: Pathogenic for Joubert syndrome 23; Short-rib thoracic dysplasia 14 with polydactyly. Last evaluated: 2022-07-12. Review status: criteria provided, single submitter. Criteria: Invitae Variant Classification Sherloc (09022015). Collection method: clinical testing. Allele origin: germline.
Comment: This sequence change creates a premature translational stop signal (p.Thr987Hisfs*6) in the KIAA0586 gene. It is expected to result in an absent or disrupted protein product. Loss-of-function variants in KIAA0586 are known to be pathogenic (PMID: 26096313, 26166481, 26386044). For these reasons, this variant has been classified as Pathogenic. This variant has not been reported in the literature in individuals affected with KIAA0586-related conditions. This variant is not present in population databases (gnomAD no frequency).

Literature cited by the submitters: PubMed 26096313; PubMed 26166481; PubMed 26386044.